The following is an entry in ClinVar:

ClinVar aggregate classification (germline): Benign/Likely benign. Review status: criteria provided, multiple submitters, no conflicts (2 of 4 stars). 13 submissions from 11 submitters: Benign (12); Likely benign (1). Last evaluated 2026-02-04.

Conditions:
X-linked agammaglobulinemia (XLA). Also called: Bruton-type agammaglobulinemia; Agammaglobulinemia, Bruton tyrosine kinase; Agammaglobulinemia, BTK; BTK-deficiency; IMMUNODEFICIENCY 1; Bruton's agammaglobulinemia. Identifiers: Orphanet 229717, Orphanet 47, MedGen C0221026, MONDO:0010421, OMIM 300755.
X-linked agammaglobulinemia with growth hormone deficiency (IGHD3). Also called: ISOLATED GROWTH HORMONE DEFICIENCY, TYPE III, WITH AGAMMAGLOBULINEMIA; AGAMMAGLOBULINEMIA AND ISOLATED GROWTH HORMONE DEFICIENCY, X-LINKED; FLEISHER SYNDROME; HYPOGAMMAGLOBULINEMIA AND ISOLATED GROWTH HORMONE DEFICIENCY, X-LINKED; IGHD III; Isolated growth hormone deficiency type 3. Identifiers: Orphanet 231692, Orphanet 631, MedGen C0472813, MONDO:0010615, OMIM 307200.

Allele frequency attached by ClinVar (database versions not stated): gnomAD exomes 0.20864 and 0.31363; ExAC 0.32079; gnomAD 0.37572 and 0.37760; ESP Exome Variant Server 0.39042; TOPMed 0.41471; 1000 Genomes Project 0.50808; 1000 Genomes Project 30x 0.51946.
gnomAD v4.1: 271,654 of 1,206,338 alleles (23%); highest among the groups gnomAD compares: African/African-American, 82%; 32,609 homozygotes.

Submissions (13):

Labcorp Genetics (formerly Invitae), Labcorp
Classification: Benign for X-linked agammaglobulinemia with growth hormone deficiency. Last evaluated: 2026-02-04. Review status: criteria provided, single submitter. Criteria: Invitae Variant Classification Sherloc (09022015). Collection method: clinical testing. Allele origin: germline.

ARUP Laboratories, Molecular Genetics and Genomics, ARUP Laboratories
Classification: Benign. Last evaluated: 2025-07-30. Review status: criteria provided, single submitter. Criteria: ARUP Molecular Germline Variant Investigation Process 2024. Collection method: clinical testing. Allele origin: germline.

Blueprint Genetics
Classification: Likely benign. Last evaluated: 2024-11-28. Review status: criteria provided, single submitter. Criteria: ACMG Guidelines, 2015. Collection method: clinical testing. Allele origin: germline.

Unidad de Genómica Garrahan, Hospital de Pediatría Garrahan
Classification: Benign. Last evaluated: 2024-01-24. Review status: criteria provided, single submitter. Criteria: ACMG Guidelines, 2015. Collection method: clinical testing. Allele origin: germline. Affected: no. Observed: 50 variant alleles.
Comment: This variant is classified as Benign based on local population frequency. This variant was detected in 53% of patients studied by a panel of primary immunodeficiencies. Number of patients: 50. Only high quality variants are reported.

Genome-Nilou Lab
Classification: Benign for X-linked agammaglobulinemia. Last evaluated: 2021-07-14. Review status: criteria provided, single submitter. Criteria: ACMG Guidelines, 2015. Collection method: clinical testing. Allele origin: germline. Affected: no.

Genome-Nilou Lab
Classification: Benign for X-linked agammaglobulinemia with growth hormone deficiency. Last evaluated: 2021-07-14. Review status: criteria provided, single submitter. Criteria: ACMG Guidelines, 2015. Collection method: clinical testing. Allele origin: germline. Affected: no.

Laboratory for Molecular Medicine, Mass General Brigham Personalized Medicine
Classification: Benign. Last evaluated: 2020-12-14. Review status: criteria provided, single submitter. Criteria: ACMG Guidelines, 2015. Collection method: clinical testing. Allele origin: germline.
Comment: proposed classification - variant undergoing re-assessment, contact laboratory

Illumina Laboratory Services, Illumina
Classification: Benign for X-linked agammaglobulinemia with growth hormone deficiency. Last evaluated: 2017-04-27. Review status: criteria provided, single submitter. Criteria: ICSL Variant Classification Criteria 13 December 2019. Collection method: clinical testing. Allele origin: germline.
Comment: This variant was observed as part of a predisposition screen in an ostensibly healthy population. A literature search was performed for the gene, cDNA change, and amino acid change (where applicable). No publications were found based on this search. Allele frequency data from public databases was too high to be consistent with this variant causing disease. Therefore, this variant is classified as benign.

Illumina Laboratory Services, Illumina
Classification: Benign for X-linked agammaglobulinemia. Last evaluated: 2017-04-27. Review status: criteria provided, single submitter. Criteria: ICSL Variant Classification Criteria 13 December 2019. Collection method: clinical testing. Allele origin: germline.
Comment: This variant was observed as part of a predisposition screen in an ostensibly healthy population. A literature search was performed for the gene, cDNA change, and amino acid change (where applicable). Publications were found based on this search. The evidence from the literature, in combination with allele frequency data from public databases where available, was sufficient to rule this variant out of causing disease. Therefore, this variant is classified as benign.

Mayo Clinic Laboratories, Mayo Clinic
Classification: Benign. Last evaluated: 2016-09-21. Review status: criteria provided, single submitter. Criteria: ACMG Guidelines, 2015. Collection method: clinical testing. Allele origin: germline. Observed: 160 variant alleles.

PreventionGenetics, part of Exact Sciences
Classification: Benign. Last evaluated: 2016-01-28. Review status: criteria provided, single submitter. Criteria: ACMG Guidelines, 2015. Collection method: clinical testing. Allele origin: germline.

GeneDx
Classification: Benign. Last evaluated: 2015-11-11. Review status: criteria provided, single submitter. Criteria: GeneDx Variant Classification (06012015). Collection method: clinical testing. Allele origin: germline. Affected: yes.
Comment: This variant is considered likely benign or benign based on one or more of the following criteria: it is a conservative change, it occurs at a poorly conserved position in the protein, it is predicted to be benign by multiple in silico algorithms, and/or has population frequency not consistent with disease.

Breakthrough Genomics
Classification: Benign. Review status: criteria provided, single submitter. Criteria: ACMG Guidelines, 2015. Collection method: not provided. Allele origin: germline. Inheritance: X-linked inheritance. Affected: yes.

Literature cited by the submitters: PubMed 15661032 (cited by Illumina Laboratory Services, Illumina); PubMed 17045652 (cited by Illumina Laboratory Services, Illumina); PubMed 8162056 (cited by Illumina Laboratory Services, Illumina); PubMed 9545398 (cited by Illumina Laboratory Services, Illumina); PubMed 24885015 (cited by Illumina Laboratory Services, Illumina).

NM_000061.3(BTK):c.1899C>T (p.Cys633=)

Gene: BTK (Bruton tyrosine kinase; minus strand). Cytogenetic location: Xq22.1.
Variant type: single nucleotide variant.
Coding change: c.1899C>T on transcript NM_000061.3 (MANE Select); coding-DNA position 1899, C replaced by T.
Protein change: p.Cys633=; no amino-acid change (cysteine 633 retained).
Molecular consequence: synonymous variant.
Genome position (GRCh38, 1-based): chrX:101,353,203, G>A on the plus strand (C>T on the coding strand, the complement: BTK is on the minus strand). VCF-style: chrX-101353203-G-A. GRCh37 (hg19) VCF-style: chrX-100608191-G-A.
Other names: p.Cys633=; c.2001C>T, p.Cys667= (NM_001287344.2); c.1371C>T, p.Cys457= (NM_001287345.2).
Identifiers: ClinVar variation 254784 (VCV000254784.29), dbSNP rs1135363, ClinGen allele CA10472960.